The following is an entry in ClinVar:

ClinVar aggregate classification (germline): Conflicting classifications of pathogenicity. Review status: criteria provided, conflicting classifications (1 of 4 stars). 8 submissions from 8 submitters: Uncertain significance (3); Likely benign (3). 2 of the submissions do not count toward it. Last evaluated 2026-09-25.

Conditions:
TTN-related disorder. Also called: TTN-related condition; TTN-related disease; TTN-related disorders.
Cardiomyopathy (CMYO). Also called: Cardiomyopathies. Identifiers: Orphanet 167848, MedGen C0878544, MONDO:0004994, HP:0001638. Inheritance: Various modes of inheritance.

Allele frequency attached by ClinVar (database versions not stated): gnomAD 0.00005 and 0.00006; gnomAD exomes 0.00005 and 0.00007; ExAC 0.00007; TOPMed 0.00007; ESP Exome Variant Server 0.00008.
gnomAD v4.1: 115 of 1,613,182 alleles (0.0071%); highest among the groups gnomAD compares: Non-Finnish European, 0.0092%; no homozygotes.

Submissions (8):

PreventionGenetics, part of Exact Sciences
Classification: Uncertain significance for TTN-related condition. Last evaluated: 2026-09-25. Review status: criteria provided, single submitter. Criteria: ACMG Guidelines, 2015. Collection method: clinical testing. Allele origin: germline.
Comment: The TTN c.22922C>T variant is predicted to result in the amino acid substitution p.Ser7641Leu. To our knowledge, this variant has not been reported in the literature. This variant is reported in 0.011% of alleles in individuals of European (Non-Finnish) descent in gnomAD. At this time, the clinical significance of this variant is uncertain due to the absence of conclusive functional and genetic evidence.

Molecular Diagnostic Laboratory for Inherited Cardiovascular Disease, Montreal Heart Institute
Classification: Likely benign. Last evaluated: 2025-04-09. Review status: criteria provided, single submitter. Criteria: ACMG Guidelines, 2015. Collection method: clinical testing. Allele origin: germline. Affected: no.

Athena Diagnostics
Classification: Uncertain significance. Last evaluated: 2024-01-11. Review status: criteria provided, single submitter. Criteria: Athena Diagnostics Criteria. Collection method: clinical testing. Allele origin: unknown.
Comment: Available data are insufficient to determine the clinical significance of the variant at this time. The frequency of this variant in the general population is uninformative in assessment of its pathogenicity. Computational tools predict that this variant is not damaging.

CHEO Genetics Diagnostic Laboratory, Children's Hospital of Eastern Ontario
Classification: Likely benign for Cardiomyopathy. Last evaluated: 2023-04-21. Review status: criteria provided, single submitter. Criteria: ACMG Guidelines, 2015. Collection method: clinical testing. Allele origin: germline.

Revvity Omics, Revvity
Classification: Uncertain significance. Last evaluated: 2022-03-31. Review status: criteria provided, single submitter. Criteria: ACMG Guidelines, 2015. Collection method: clinical testing. Allele origin: germline.

GeneDx
Classification: Likely benign. Last evaluated: 2019-07-11. Review status: criteria provided, single submitter. Criteria: GeneDx Variant Classification Process June 2021. Collection method: clinical testing. Allele origin: germline. Affected: yes.

Clinical Genetics DNA and cytogenetics Diagnostics Lab, Erasmus MC, Erasmus Medical Center
Classification: Uncertain significance. Review status: no assertion criteria provided. Collection method: clinical testing. Allele origin: germline. Affected: yes. Study: VKGL Data-share Consensus. Not counted in ClinVar's aggregate classification.

Clinical Genetics, Academic Medical Center
Classification: Uncertain significance. Review status: no assertion criteria provided. Collection method: clinical testing. Allele origin: germline. Affected: yes. Study: VKGL Data-share Consensus. Not counted in ClinVar's aggregate classification.

NM_001267550.2(TTN):c.22922C>T (p.Ser7641Leu)

Gene: TTN (titin; minus strand). Cytogenetic location: 2q31.2.
Variant type: single nucleotide variant.
Coding change: c.22922C>T on transcript NM_001267550.2 (MANE Select); coding-DNA position 22922, C replaced by T.
Protein change: p.Ser7641Leu; replaces serine 7641 with leucine.
Molecular consequence: missense variant. On other transcripts: intron variant (3).
Genome position (GRCh38, 1-based): chr2:178,721,097, G>A on the plus strand (C>T on the coding strand, the complement: TTN is on the minus strand). VCF-style: chr2-178721097-G-A. GRCh37 (hg19) VCF-style: chr2-179585824-G-A.
Other names: p.S7324L:TCA>TTA; c.21971C>T, p.Ser7324Leu (NM_001256850.1); c.19190C>T, p.Ser6397Leu (NM_133378.4); c.13282+16985C>T (NM_003319.4); c.13858+16985C>T (NM_133437.4); c.13657+16985C>T (NM_133432.3); short protein forms S7324L, S7641L, S6397L.
Identifiers: ClinVar variation 203318 (VCV000203318.25), dbSNP rs369508943, ClinGen allele CA312022.
Genomic context (GRCh38, chr2:178,721,097, plus strand): 5'-TTAATGAATGACATGTTGTATTTCCAACTTTCATGAAGTTCGCTGTCATTTCGGAACCAT[G>A]AAACTTTGATTTCTGGGGAGCCACTTATTTTACATTCCAGTTGAATGGATTCTCCCTGCT-3'
Protein context (NP_001254479.2, residues 7631-7651): KISGSPEIKV[Ser7641Leu]WFRNDSELHE